The following is an entry in ClinVar:

NM_198503.5(KCNT2):c.2245C>T (p.Leu749Phe)

Gene: KCNT2 (potassium sodium-activated channel subfamily T member 2; minus strand). Cytogenetic location: 1q31.3.
Variant type: single nucleotide variant.
Coding change: c.2245C>T on transcript NM_198503.5 (MANE Select); coding-DNA position 2245, C replaced by T.
Protein change: p.Leu749Phe; replaces leucine 749 with phenylalanine.
Molecular consequence: missense variant. On other transcripts: non-coding transcript variant (2).
Genome position (GRCh38, 1-based): chr1:196,326,748, G>A on the plus strand (C>T on the coding strand, the complement: KCNT2 is on the minus strand). VCF-style: chr1-196326748-G-A. GRCh37 (hg19) VCF-style: chr1-196295878-G-A.
Other names: c.2245C>T, p.Leu749Phe (NM_001287819.3); c.2095C>T, p.Leu699Phe (NM_001287820.3); short protein forms L699F, L749F.
Identifiers: ClinVar variation 4879561 (VCV004879561.1).

ClinVar aggregate classification (germline): Uncertain significance (1 of 4 stars; one submission).

Conditions:
Developmental and epileptic encephalopathy, 57. Also called: EPILEPTIC ENCEPHALOPATHY, EARLY INFANTILE, 57. Identifiers: MedGen C4540411, MONDO:0033366, OMIM 617771.

gnomAD v4.1: 2 of 1,553,612 alleles (0.00013%); highest among the groups gnomAD compares: African/African-American, 0.0014%; no homozygotes.

Submission:

Clinical Genomics Laboratory, Washington University in St. Louis
Classification: Uncertain significance for Developmental and epileptic encephalopathy, 57. Last evaluated: 2025-12-29. Review status: criteria provided, single submitter. Criteria: ACMG Guidelines, 2015. Collection method: clinical testing. Allele origin: germline.
Comment: The KCNT2 c.2245C>T (p.Leu749Phe) variant has not been reported in the medical literature to our knowledge. This variant is only observed in 2/1,553,612 total alleles in the general population (gnomAD v4.1.0), indicating it is not a common variant. Computational predictors indicate that the variant is damaging, evidence that correlates with impact on KCNT2 protein function. Due to limited information, and based on ACMG/AMP guidelines for variant interpretation (Richards S et al., PMID: 25741868), the clinical significance of this variant is uncertain at this time.